The following is an entry in ClinVar:

NM_001323289.2(CDKL5):c.2200A>G (p.Thr734Ala)

Gene: CDKL5 (cyclin dependent kinase like 5; plus strand). Cytogenetic location: Xp22.13.
Variant type: single nucleotide variant.
Coding change: c.2200A>G on transcript NM_001323289.2 (MANE Select); coding-DNA position 2200, A replaced by G.
Protein change: p.Thr734Ala; replaces threonine 734 with alanine.
Molecular consequence: missense variant.
Genome position (GRCh38, 1-based): chrX:18,613,199, A>G. VCF-style: chrX-18613199-A-G. GRCh37 (hg19) VCF-style: chrX-18631319-A-G.
Other names: p.T734A:ACT>GCT; NM_001323289.2(CDKL5):c.2200A>G; c.2200A>G, p.Thr734Ala (NM_001037343.2, NM_003159.3); short protein forms T734A.
Identifiers: ClinVar variation 94108 (VCV000094108.43), dbSNP rs55803460, ClinGen allele CA171623.

ClinVar aggregate classification (germline): Likely benign. Review status: reviewed by expert panel (3 of 4 stars). 7 submissions from 7 submitters: Likely benign (1). 6 of the submissions do not count toward it. Last evaluated 2022-09-01.

Conditions:
CDKL5 disorder. Identifiers: MedGen CN296942, MONDO:0100039.
Angelman syndrome-like. Identifiers: MedGen CN128785.
Developmental and epileptic encephalopathy, 2 (DEE2). Also called: CDKL5 deficiency disorder; INFANTILE SPASM SYNDROME, X-LINKED 2. Identifiers: Orphanet 1934, Orphanet 3451, Orphanet 505652, MedGen C4750718, MONDO:0010396, OMIM 300672.

Allele frequency attached by ClinVar (database versions not stated): gnomAD exomes 0.00006 and 0.00003; ESP Exome Variant Server 0.00009; ExAC 0.00003; TOPMed 0.00009; gnomAD 0.00010.
gnomAD v4.1: 75 of 1,200,245 alleles (0.0062%); highest among the groups gnomAD compares: South Asian, 0.012%; no homozygotes.

Submissions (7):

ClinGen Rett and Angelman-like Disorders Variant Curation Expert Panel
Classification: Likely benign for CDKL5 disorder. Last evaluated: 2022-09-01. Review status: reviewed by expert panel. Criteria: ClinGen RettAS ACMG Specifications V2. Collection method: curation. Allele origin: germline. Inheritance: X-linked inheritance.
Comment: The p.Thr734Ala variant in CDKL5 is present in 7 female and male individuals in gnomAD (0.003%) (not sufficient to meet BS1 criteria). The p.Thr734Ala variant is observed in at least 2 unaffected individuals (internal database) (BS2). Computational analysis prediction tools suggest that the p.Thr734Ala variant does not have a deleterious impact; however this information does not predict clinical significance on its own (BP4). In summary, the p.Thr734Ala variant in CDKL5 is classified as likely benign based on the ACMG/AMP criteria (BS2, BP4, BP5).

Labcorp Genetics (formerly Invitae), Labcorp
Classification: Benign for Developmental and epileptic encephalopathy, 2; Angelman syndrome-like. Last evaluated: 2025-12-05. Review status: criteria provided, single submitter. Criteria: Invitae Variant Classification Sherloc (09022015). Collection method: clinical testing. Allele origin: germline. Not counted in ClinVar's aggregate classification.

Centre for Population Genomics, CPG
Classification: Likely benign for CDKL5 disorder. Last evaluated: 2024-09-16. Review status: criteria provided, single submitter. Criteria: McKnight et al. (Hum Mutat. 2022). Collection method: curation. Allele origin: germline. Inheritance: X-linked inheritance. Not counted in ClinVar's aggregate classification.
Comment: This variant has been collected from RettBASE and curated to current modified ACMG/AMP criteria. Based on the classification scheme defined by the ClinGen Rett/Angelman-like Expert Panel for Rett/AS-like Disorders Specifications to the ACMG/AMP Variant Interpretation Guidelines VCEP 3.0, this variant is classified as likely benign. At least the following criteria are met: The allele frequency of this variant in at least one population in gnomAD is between 0.008% and 0.03% (BS1). Computational prediction analysis tools suggest no impact on gene product (REVEL score <= 0.15) (BP4).

CeGaT Center for Human Genetics Tuebingen
Classification: Likely benign. Last evaluated: 2024-04-01. Review status: criteria provided, single submitter. Criteria: CeGaT Center For Human Genetics Tuebingen Variant Classification Criteria Version 2. Collection method: clinical testing. Allele origin: germline. Affected: yes. Observed: 2 variant alleles. Not counted in ClinVar's aggregate classification.
Comment: CDKL5: BS2

GeneDx
Classification: Likely benign. Last evaluated: 2020-03-11. Review status: criteria provided, single submitter. Criteria: GeneDx Variant Classification Process June 2021. Collection method: clinical testing. Allele origin: germline. Affected: yes. Not counted in ClinVar's aggregate classification.
Comment: This variant is associated with the following publications: (PMID: 23242510)

Eurofins Ntd Llc (ga)
Classification: Uncertain significance. Last evaluated: 2014-07-08. Review status: criteria provided, single submitter. Criteria: EGL Classification Definitions 2015. Collection method: clinical testing. Allele origin: germline. Observed: 1 variant allele, 1 hemizygote. Not counted in ClinVar's aggregate classification.

Genetic Services Laboratory, University of Chicago
Classification: Uncertain significance for Epileptic encephalopathy, early infantile, 2. Last evaluated: 2013-02-08. Review status: criteria provided, single submitter. Criteria: ACMG Guidelines, 2007. Collection method: clinical testing. Allele origin: germline. Inheritance: X-linked inheritance. Not counted in ClinVar's aggregate classification.

Literature cited by the submitters: PubMed 23242510 (cited by Eurofins Ntd Llc (ga)); PubMed 23262346 (cited by Eurofins Ntd Llc (ga)).